The following is an entry in ClinVar:

NM_001042492.3(NF1):c.4725-4_4725-2delinsCT

Gene: NF1 (neurofibromin 1; plus strand). Cytogenetic location: 17q11.2.
Variant type: Indel.
Coding change: c.4725-4_4725-2delinsCT on transcript NM_001042492.3 (MANE Select); 4 bases into the intron before coding-DNA position 4725 through the canonical splice acceptor site of the intron before coding-DNA position 4725, TTA replaced by CT.
Molecular consequence: splice acceptor variant.
Genome position (GRCh38, 1-based): chr17:31,265,225-31,265,227, TTA replaced by CT. VCF-style: chr17-31265225-TTA-CT. GRCh37 (hg19) VCF-style: chr17-29592243-TTA-CT.
Other names: c.4662-4_4662-2delinsCT (NM_000267.4).
Identifiers: ClinVar variation 4615793 (VCV004615793.1).

ClinVar aggregate classification (germline): Likely pathogenic (1 of 4 stars; one submission).

Conditions:
Cardiovascular phenotype. Identifiers: MedGen CN230736.
Hereditary cancer-predisposing syndrome. Also called: Neoplastic Syndromes, Hereditary; Tumor predisposition; Hereditary Cancer Syndrome; Hereditary neoplastic syndrome. Identifiers: Orphanet 140162, MedGen C0027672, MeSH D009386, MONDO:0015356.

Submission:

Ambry Genetics
Classification: Likely pathogenic for Cardiovascular phenotype; Hereditary cancer-predisposing syndrome. Last evaluated: 2025-11-26. Review status: criteria provided, single submitter. Criteria: Ambry Variant Classification Scheme 2023. Collection method: clinical testing. Allele origin: germline.
Comment: The c.4662-4_4662-2delTTAinsCT intronic variant results from a deletion of three nucleotides and insertion of two nucleotides at positions between positions c.4662-4 and c.4662-2 and involves the canonical splice acceptor site before coding exon 35 of the NF1 gene. This variant is considered to be rare based on population cohorts in the Genome Aggregation Database (gnomAD). The canonical splice acceptor site is highly conserved in available vertebrate species. In silico splice site analysis predicts that this alteration will result in the creation or strengthening of a novel splice acceptor site. RNA studies have demonstrated that this alteration results in abnormal splicing in the set of samples tested (Ambry internal data). Based on the majority of available evidence to date, this variant is likely to be pathogenic.